The following is an entry in ClinVar:

NM_000540.3(RYR1):c.7307G>A (p.Cys2436Tyr)

Gene: RYR1 (ryanodine receptor 1; plus strand). Cytogenetic location: 19q13.2.
Variant type: single nucleotide variant.
Coding change: c.7307G>A on transcript NM_000540.3 (MANE Select); coding-DNA position 7307, G replaced by A.
Protein change: p.Cys2436Tyr; replaces cysteine 2436 with tyrosine.
Molecular consequence: missense variant.
Genome position (GRCh38, 1-based): chr19:38,500,000, G>A. VCF-style: chr19-38500000-G-A. GRCh37 (hg19) VCF-style: chr19-38990640-G-A.
Other names: NM_000540.3(RYR1):c.7307G>A; p.(Cys2436Tyr); NM_001042723.2:c.7307G>A; c.7307G>A, p.Cys2436Tyr (NM_001042723.2); short protein forms C2436Y.
Identifiers: ClinVar variation 1330372 (VCV001330372.3), dbSNP rs2145602328, ClinGen allele CA405669616.
Genomic context (GRCh38, chr19:38,500,000, plus strand): 5'-TGCACCTGGGACACGCCATCATGTCCTTCTATGCCGCCTTGATCGACCTGCTCGGACGCT[G>A]TGCACCAGAGATGCATGTGAGACCCTGAGCCAGGGCAGGATGGGAAGGGAGGGCAGGCAC-3'
Protein context (NP_000531.2, residues 2426-2446): YAALIDLLGR[Cys2436Tyr]APEMHLIQAG

ClinVar aggregate classification (germline): Uncertain significance (3 of 4 stars; one submission).

Conditions:
Malignant hyperthermia of anesthesia. Also called: Anesthesic-triggered malignant hyperthermia. Identifiers: Orphanet 423, MedGen C0024591, MONDO:0018493, HP:0034733.

Allele frequency attached by ClinVar (database versions not stated): gnomAD exomes below 0.00001.

Submission:

ClinGen Malignant Hyperthermia Susceptibility Variant Curation Expert Panel, ClinGen
Classification: Uncertain significance for Malignant hyperthermia of anesthesia. Last evaluated: 2025-08-01. Review status: reviewed by expert panel. Criteria: ClinGen MHS ACMG Specifications V2. Collection method: curation. Allele origin: germline. Inheritance: Autosomal dominant inheritance.
Comment: This pathogenicity assessment is relevant only for malignant hyperthermia susceptibility (MHS) inherited in an autosomal dominant pattern. Variants in RYR1 can also cause other myopathies inherited in an autosomal dominant pattern or in an autosomal recessive pattern. Some of these disorders may predispose individuals to malignant hyperthermia. RYR1 variants may also contribute to a malignant hyperthermia reaction in combination with other genetic and non-genetic factors and the clinician needs to consider such factors in making management decisions. This sequence variant predicts a substitution of cysteine with tyrosine at codon 2436 of the RYR1 protein, p.(Cys2436Tyr). This variant was not present in a large population database (gnomAD) at the time this variant was interpreted. This variant has been reported in an individual with a personal or family history of an MH episode and a positive in vitro contracture test (IVCT) or caffeine halothane contracture test (CHCT) result (if the proband was unavailable for testing, a positive diagnostic test result in a mutation-positive relative was counted), PS4_Supporting (PMID:30236257). No functional studies were identified for this variant. This variant resides in a region of RYR1 considered to be a hotspot for pathogenic variants that contribute to MHS, PM1 (PMID: 21118704). A REVEL score >0.85 (0.921) supports a pathogenic status for this variant, PP3_Moderate. This variant has been classified as a Variant of Unknown Significance. Criteria implemented: PS4_Supporting, PM1, PP3_Moderate.